The following is an entry in ClinVar:

ClinVar aggregate classification (germline): Likely pathogenic (1 of 4 stars; one submission).

Submission:

GeneDx
Classification: Likely pathogenic. Last evaluated: 2017-01-09. Review status: criteria provided, single submitter. Criteria: GeneDx Variant Classification (06012015). Collection method: clinical testing. Allele origin: germline. Affected: yes.
Comment: This duplication of one nucleotide in ATM is denoted c.7347dupA at the cDNA level and p.Leu2450IlefsX11 (L2450IfsX11) at the protein level. The normal sequence, with the bases that are duplicated in brackets, is ATGA[dupA]TTAG. The duplication causes a frameshift which changes a Leucine to an Isoleucine at codon 2450, and creates a premature stop codon at position 11 of the new reading frame. Although this variant has not, to our knowledge, been reported in the literature, it is predicted to cause loss of normal protein function through either protein truncation or nonsense-mediated mRNA decay. Based on the currently available information, we consider this duplication to be a likely pathogenic variant.

NM_000051.4(ATM):c.7347dup (p.Leu2450fs)

Genes: ATM (ATM serine/threonine kinase; plus strand), C11orf65 (chromosome 11 open reading frame 65; minus strand). Cytogenetic location: 11q22.3.
Variant type: Duplication.
Coding change: c.7347dup on transcript NM_000051.4 (MANE Select); coding-DNA position 7347, one base duplicated (A; older notation c.7347dupA).
Protein change: p.Leu2450fs; shifts the reading frame from leucine 2450.
Molecular consequence: frameshift variant. On other transcripts: intron variant (2).
Genome position (GRCh38, 1-based): chr11:108,330,253, A duplicated; the last of 2 consecutive A bases (chr11:108,330,252-108,330,253); duplicating either gives the same sequence. VCF-style (leftmost placement, unchanged base first): chr11-108330251-G-GA. GRCh37 (hg19) VCF-style: chr11-108200978-G-GA.
Other names: c.7347dupA (NM_000051.3); c.7347dup, p.Leu2450fs (NM_001351834.2); c.641-21181dup (NM_001330368.2); c.*38+4968dup (NM_001351110.2); short protein forms L2450fs.
Identifiers: ClinVar variation 423045 (VCV000423045.4), dbSNP rs1555123008, ClinGen allele CA16619230.
Genomic context (GRCh38, chr11:108,330,251, plus strand): 5'-TTACCTTAATTATTCTATGCAAGATACACAGTAAAGGTTCAGCGAGAGCTGGAGTTGGAT[G>GA]AATTAGCCCTGCGTGCACTGAAAGAGGATCGTAAACGCTTCTTATGTAAAGCAGTTGAAA-3'